The following is an entry in ClinVar:

ClinVar aggregate classification (germline): Likely benign (1 of 4 stars; one submission).

Allele frequency attached by ClinVar (database versions not stated): gnomAD exomes below 0.00001.
gnomAD v4.1: 2 of 1,589,868 alleles (0.00013%); highest among the groups gnomAD compares: Non-Finnish European, 0.000085%; no homozygotes.

Submission:

CeGaT Center for Human Genetics Tuebingen
Classification: Likely benign. Last evaluated: 2022-12-01. Review status: criteria provided, single submitter. Criteria: CeGaT Center For Human Genetics Tuebingen Variant Classification Criteria Version 2. Collection method: clinical testing. Allele origin: germline. Affected: yes. Observed: 1 variant allele.
Comment: KCNQ2: BP7

NM_172107.4(KCNQ2):c.2618G>A (p.Ter873=)

Gene: KCNQ2 (potassium voltage-gated channel subfamily Q member 2; minus strand). Cytogenetic location: 20q13.33.
Variant type: single nucleotide variant.
Coding change: c.2618G>A on transcript NM_172107.4 (MANE Select); coding-DNA position 2618, G replaced by A.
Protein change: p.Ter873=.
Molecular consequence: synonymous variant.
Genome position (GRCh38, 1-based): chr20:63,406,645, C>T on the plus strand (G>A on the coding strand, the complement: KCNQ2 is on the minus strand). VCF-style: chr20-63406645-C-T. GRCh37 (hg19) VCF-style: chr20-62037998-C-T.
Other names: c.2672G>A, p.Ter891= (NM_001382235.1); c.2534G>A, p.Ter845= (NM_004518.6); c.2564G>A, p.Ter855= (NM_172106.3); c.2525G>A, p.Ter842= (NM_172108.5).
Identifiers: ClinVar variation 2652529 (VCV002652529.24), dbSNP rs1327616832, ClinGen allele CA511339163.